The following is an entry in ClinVar:

ClinVar aggregate classification (germline): Uncertain significance (1 of 4 stars; one submission).

Conditions:
Hereditary cancer-predisposing syndrome. Also called: Neoplastic Syndromes, Hereditary; Tumor predisposition; Hereditary Cancer Syndrome; Hereditary neoplastic syndrome. Identifiers: Orphanet 140162, MedGen C0027672, MeSH D009386, MONDO:0015356.

gnomAD v4.1: 1 of 1,613,804 alleles (0.000062%); highest among the groups gnomAD compares: Non-Finnish European, 0.000085%; no homozygotes.

Submission:

Ambry Genetics
Classification: Uncertain significance for Hereditary cancer-predisposing syndrome. Last evaluated: 2025-11-10. Review status: criteria provided, single submitter. Criteria: Ambry Variant Classification Scheme 2023. Collection method: clinical testing. Allele origin: germline.
Comment: The p.D560N variant (also known as c.1678G>A), located in coding exon 11 of the NBN gene, results from a G to A substitution at nucleotide position 1678. The aspartic acid at codon 560 is replaced by asparagine, an amino acid with highly similar properties. This amino acid position is conserved. In addition, this alteration is predicted to be tolerated by in silico analysis. Based on the available evidence, the clinical significance of this variant remains unclear.

NM_002485.5(NBN):c.1678G>A (p.Asp560Asn)

Gene: NBN (nibrin; minus strand). Cytogenetic location: 8q21.3.
Variant type: single nucleotide variant.
Coding change: c.1678G>A on transcript NM_002485.5 (MANE Select); coding-DNA position 1678, G replaced by A.
Protein change: p.Asp560Asn; replaces aspartic acid 560 with asparagine.
Molecular consequence: missense variant.
Genome position (GRCh38, 1-based): chr8:89,953,411, C>T on the plus strand (G>A on the coding strand, the complement: NBN is on the minus strand). VCF-style: chr8-89953411-C-T. GRCh37 (hg19) VCF-style: chr8-90965639-C-T.
Other names: c.1432G>A, p.Asp478Asn (NM_001024688.3, NM_001440379.1, NM_001440380.1); short protein forms D560N, D478N.
Identifiers: ClinVar variation 4660639 (VCV004660639.1).